The following is an entry in ClinVar:

NM_000545.8(HNF1A):c.-61G>A

Gene: HNF1A (HNF1 homeobox A; plus strand). Cytogenetic location: 12q24.31.
Variant type: single nucleotide variant.
Coding change: c.-61G>A on transcript NM_000545.8 (MANE Select); 61 bases upstream of the start codon, G replaced by A.
Molecular consequence: 5 prime UTR variant.
Genome position (GRCh38, 1-based): chr12:120,978,708, G>A. VCF-style: chr12-120978708-G-A. GRCh37 (hg19) VCF-style: chr12-121416511-G-A.
Other names: c.-61G>A (NM_001306179.2, NM_001406915.1).
Identifiers: ClinVar variation 2036493 (VCV002036493.2), dbSNP rs778674831, ClinGen allele CA6831626.
Genomic context (GRCh38, chr12:120,978,708, plus strand): 5'-GGGCAGTGGGTGCAAGGAGTTTGGTTTGTGTCTGCCGGCCGGCAGGCAAACGCAACCCAC[G>A]CGGTGGGGGAGGCGGCTAGCGTGGTGGACCCGGGCCGCGTGGCCCTGTGGCAGCCGAGCC-3'

ClinVar aggregate classification (germline): Uncertain significance (1 of 4 stars; one submission).

Allele frequency attached by ClinVar (database versions not stated): ExAC 0.00001; gnomAD 0.00003; gnomAD exomes 0.00003; TOPMed 0.00003.
gnomAD v4.1: 44 of 1,521,338 alleles (0.0029%); highest among the groups gnomAD compares: African/African-American, 0.0068%; no homozygotes.

Submission:

Labcorp Genetics (formerly Invitae), Labcorp
Classification: Uncertain significance. Last evaluated: 2022-07-21. Review status: criteria provided, single submitter. Criteria: Invitae Variant Classification Sherloc (09022015). Collection method: clinical testing. Allele origin: germline.
Comment: In summary, the available evidence is currently insufficient to determine the role of this variant in disease. Therefore, it has been classified as a Variant of Uncertain Significance. Experimental studies and prediction algorithms are not available or were not evaluated, and the functional significance of this variant is currently unknown. This variant has not been reported in the literature in individuals affected with HNF1A-related conditions. This variant is present in population databases (rs778674831, gnomAD 0.009%). This variant occurs in a non-coding region of the HNF1A gene. It does not change the encoded amino acid sequence of the HNF1A protein.